The following is an entry in ClinVar:

ClinVar aggregate classification (germline): Conflicting classifications of pathogenicity. Review status: criteria provided, conflicting classifications (1 of 4 stars). 7 submissions from 7 submitters: Likely risk allele (1); Uncertain significance (5). 1 of the submissions does not count toward it. Last evaluated 2025-07-07.

Conditions:
Monogenic diabetes. Identifiers: Orphanet 183625, MedGen C3888631, MONDO:0015967.
Cardiovascular phenotype. Identifiers: MedGen CN230736.
Alstrom syndrome (ALMS). Identifiers: Orphanet 64, MedGen C0268425, MONDO:0008763, OMIM 203800.

Allele frequency attached by ClinVar (database versions not stated): ExAC 0.00001; gnomAD 0.00001; TOPMed 0.00006.
gnomAD v4.1: 124 of 1,613,968 alleles (0.0077%); highest among the groups gnomAD compares: Non-Finnish European, 0.01%; no homozygotes.

Submissions (7):

Ambry Genetics
Classification: Uncertain significance for Cardiovascular phenotype. Last evaluated: 2025-07-07. Review status: criteria provided, single submitter. Criteria: Ambry Variant Classification Scheme 2023. Collection method: clinical testing. Allele origin: germline.
Comment: The p.R4056Q variant (also known as c.12167G>A), located in coding exon 20 of the ALMS1 gene, results from a G to A substitution at nucleotide position 12167. The arginine at codon 4056 is replaced by glutamine, an amino acid with highly similar properties. This amino acid position is highly conserved in available vertebrate species. In addition, the in silico prediction for this alteration is inconclusive. Since supporting evidence is limited at this time, the clinical significance of this alteration remains unclear.

GeneDx
Classification: Uncertain significance. Last evaluated: 2022-05-11. Review status: criteria provided, single submitter. Criteria: GeneDx Variant Classification Process June 2021. Collection method: clinical testing. Allele origin: germline. Affected: yes.
Comment: Not observed at a significant frequency in large population cohorts (gnomAD); In silico analysis, which includes protein predictors and evolutionary conservation, supports a deleterious effect; Has not been previously published as pathogenic or benign to our knowledge

Labcorp Genetics (formerly Invitae), Labcorp
Classification: Uncertain significance for Alstrom syndrome. Last evaluated: 2022-04-23. Review status: criteria provided, single submitter. Criteria: Invitae Variant Classification Sherloc (09022015). Collection method: clinical testing. Allele origin: germline.
Comment: This sequence change replaces arginine, which is basic and polar, with glutamine, which is neutral and polar, at codon 4056 of the ALMS1 protein (p.Arg4056Gln). This variant is present in population databases (rs752714698, gnomAD 0.007%). This variant has not been reported in the literature in individuals affected with ALMS1-related conditions. ClinVar contains an entry for this variant (Variation ID: 459850). In summary, the available evidence is currently insufficient to determine the role of this variant in disease. Therefore, it has been classified as a Variant of Uncertain Significance.

Fulgent Genetics
Classification: Uncertain significance for Alstrom syndrome. Last evaluated: 2021-08-13. Review status: criteria provided, single submitter. Criteria: ACMG Guidelines, 2015. Collection method: clinical testing. Allele origin: unknown.

Personalized Diabetes Medicine Program, University of Maryland School of Medicine
Classification: Uncertain significance for Monogenic diabetes. Last evaluated: 2019-02-01. Review status: criteria provided, single submitter. Criteria: ACMG Guidelines, 2015. Collection method: research. Allele origin: unknown. Observed: 1 variant allele, 1 heterozygote.
Comment: ACMG criteria: BP1 (missense in gene with truncating known)= VUS (REVEL 0.355 + PP3/6 predictors + BP4/3 predictors = conflicting evidence, not using)

Clinical Genomics, Uppaluri K&H Personalized Medicine Clinic
Classification: Likely risk allele for Alstrom syndrome. Review status: criteria provided, single submitter. Criteria: K & H Uppaluri Personalized Medicine Clinic Variant Classification & Assertion Criteria_Updated V.1. Collection method: research. Allele origin: unknown. Inheritance: Autosomal recessive inheritance.
Comment: Potent mutations in ALMS1 are associated with a rare condition called Alstrom syndrome. It can cause excessive eating, insulin resistance. However, no evidence is found to ascertain the role of rs752714698 in Alstrom syndrome yet.

Natera, Inc.
Classification: Uncertain significance for Alstrom syndrome. Last evaluated: 2021-01-30. Review status: no assertion criteria provided. Collection method: clinical testing. Allele origin: germline. Not counted in ClinVar's aggregate classification.

Literature cited by the submitters: PubMed 34148947 (cited by Clinical Genomics, Uppaluri K&H Personalized Medicine Clinic); PubMed 25846608 (cited by Clinical Genomics, Uppaluri K&H Personalized Medicine Clinic); PubMed 30421101 (cited by Clinical Genomics, Uppaluri K&H Personalized Medicine Clinic); PubMed 33669459 (cited by Clinical Genomics, Uppaluri K&H Personalized Medicine Clinic).

NM_001378454.1(ALMS1):c.12164G>A (p.Arg4055Gln)

Genes: ALMS1 (ALMS1 centrosome and basal body associated protein; plus strand), LOC126806252 (BRD4-independent group 4 enhancer GRCh37_chr2:73828496-73829695; plus strand). Cytogenetic location: 2p13.1.
Variant type: single nucleotide variant.
Coding change: c.12164G>A on transcript NM_001378454.1 (MANE Select); coding-DNA position 12164, G replaced by A.
Protein change: p.Arg4055Gln; replaces arginine 4055 with glutamine.
Molecular consequence: missense variant.
Genome position (GRCh38, 1-based): chr2:73,602,234, G>A. VCF-style: chr2-73602234-G-A. GRCh37 (hg19) VCF-style: chr2-73829361-G-A.
Other names: c.12167G>A, p.Arg4056Gln (NM_015120.4); short protein forms R4056Q, R4055Q.
Identifiers: ClinVar variation 459850 (VCV000459850.18), dbSNP rs752714698, ClinGen allele CA1715470.
Genomic context (GRCh38, chr2:73,602,234, plus strand): 5'-TTTTCTTTTAGGAATCGCTTCAGTTTCACAGACCTGACTTCATCTCCCGCTCTGGGGAGC[G>A]GATAAAGCGCCTGAAGTTAATAGTCCAGGAGAGGAAGCTGCAGAGCATGTTACAGACCGA-3'
Protein context (NP_001365383.1, residues 4045-4065): RPDFISRSGE[Arg4055Gln]IKRLKLIVQE